The following is an entry in ClinVar:

ClinVar aggregate classification (germline): Uncertain significance (0 of 4 stars; one submission).

Conditions:
TSHZ3-related disorder. Also called: TSHZ3-related condition.

gnomAD v4.1: 28 of 1,614,142 alleles (0.0017%); highest among the groups gnomAD compares: South Asian, 0.026%; no homozygotes.

Submission:

PreventionGenetics, part of Exact Sciences
Classification: Uncertain significance for TSHZ3-related condition. Last evaluated: 2024-08-17. Review status: no assertion criteria provided. Collection method: clinical testing. Allele origin: germline.
Comment: The TSHZ3 c.929C>G variant is predicted to result in the amino acid substitution p.Thr310Ser. To our knowledge, this variant has not been reported in the literature. This variant is reported in 0.036% of alleles in individuals of South Asian descent in gnomAD. Although we suspect that this variant may be benign, at this time, the clinical significance of this variant is uncertain due to the absence of conclusive functional and genetic evidence.

NM_020856.4(TSHZ3):c.929C>G (p.Thr310Ser)

Gene: TSHZ3 (teashirt zinc finger homeobox 3; minus strand). Cytogenetic location: 19q12.
Variant type: single nucleotide variant.
Coding change: c.929C>G on transcript NM_020856.4 (MANE Select); coding-DNA position 929, C replaced by G.
Protein change: p.Thr310Ser; replaces threonine 310 with serine.
Molecular consequence: missense variant.
Genome position (GRCh38, 1-based): chr19:31,278,864, G>C on the plus strand (C>G on the coding strand, the complement: TSHZ3 is on the minus strand). VCF-style: chr19-31278864-G-C. GRCh37 (hg19) VCF-style: chr19-31769770-G-C.
Other names: short protein forms T310S.
Identifiers: ClinVar variation 3358577 (VCV003358577.1).